The following is an entry in ClinVar:

ClinVar aggregate classification (germline): Likely pathogenic (1 of 4 stars; one submission).

Submission:

GeneDx
Classification: Likely pathogenic. Last evaluated: 2018-06-13. Review status: criteria provided, single submitter. Criteria: GeneDx Variant Classification (06012015). Collection method: clinical testing. Allele origin: germline. Affected: yes.
Comment: The c.1555delG variant in the CIC gene has not been reported previously as a pathogenic variant nor as a benign variant to our knowledge. The c.1555delG variant causes a frameshift starting with codon Aspartic acid 519, changes this amino acid to an Isoleucine residue, and creates a premature Stop codon at position 4 of the new reading frame, denoted p.Asp519IlefsX4. This variant is predicted to cause loss of normal protein function either through protein truncation or nonsense-mediated mRNA decay. The c.1555delG variant is not observed in large population cohorts (Lek et al., 2016). We interpret c.1555delG as a likely pathogenic variant.

NM_001386298.1(CIC):c.4282del (p.Asp1428fs)

Gene: CIC (capicua transcriptional repressor; plus strand). Cytogenetic location: 19q13.2.
Variant type: Deletion.
Coding change: c.4282del on transcript NM_001386298.1 (MANE Select); coding-DNA position 4282, one base deleted (G; older notation c.4282delG).
Protein change: p.Asp1428fs; shifts the reading frame from aspartic acid 1428.
Molecular consequence: frameshift variant.
Genome position (GRCh38, 1-based): chr19:42,290,323, G deleted; the last of 2 consecutive G bases (chr19:42,290,322-42,290,323); deleting either gives the same sequence. VCF-style (leftmost placement, unchanged base first): chr19-42290321-CG-C. GRCh37 (hg19) VCF-style: chr19-42794473-CG-C.
Other names: c.4282del, p.Asp1428fs (NM_001304815.2, NM_001379480.1, NM_001379482.1); c.1555del, p.Asp519fs (NM_001379484.1, NM_001379485.1, NM_015125.5); short protein forms D519fs, D1428fs.
Identifiers: ClinVar variation 817687 (VCV000817687.1), dbSNP rs1599910596, ClinGen allele CA915951699.